The following is an entry in ClinVar:

ClinVar aggregate classification (germline): Uncertain significance (1 of 4 stars; one submission).

Allele frequency attached by ClinVar (database versions not stated): ExAC 0.00002; gnomAD exomes 0.00001; gnomAD 0.00006; ESP Exome Variant Server 0.00008.

Submission:

Labcorp Genetics (formerly Invitae), Labcorp
Classification: Uncertain significance. Last evaluated: 2025-03-17. Review status: criteria provided, single submitter. Criteria: Invitae Variant Classification Sherloc (09022015). Collection method: clinical testing. Allele origin: germline.
Comment: This sequence change replaces arginine, which is basic and polar, with histidine, which is basic and polar, at codon 98 of the MRPS14 protein (p.Arg98His). This variant is present in population databases (rs149343934, gnomAD 0.006%). This variant has not been reported in the literature in individuals affected with MRPS14-related conditions. ClinVar contains an entry for this variant (Variation ID: 2892030). An algorithm developed to predict the effect of missense changes on protein structure and function (PolyPhen-2) suggests that this variant is likely to be disruptive. In summary, the available evidence is currently insufficient to determine the role of this variant in disease. Therefore, it has been classified as a Variant of Uncertain Significance.

NM_022100.3(MRPS14):c.293G>A (p.Arg98His)

Gene: MRPS14 (mitochondrial ribosomal protein S14; minus strand). Cytogenetic location: 1q25.1.
Variant type: single nucleotide variant.
Coding change: c.293G>A on transcript NM_022100.3 (MANE Select); coding-DNA position 293, G replaced by A.
Protein change: p.Arg98His; replaces arginine 98 with histidine.
Molecular consequence: missense variant. On other transcripts: non-coding transcript variant (1).
Genome position (GRCh38, 1-based): chr1:175,014,763, C>T on the plus strand (G>A on the coding strand, the complement: MRPS14 is on the minus strand). VCF-style: chr1-175014763-C-T. GRCh37 (hg19) VCF-style: chr1-174983899-C-T.
Other names: short protein forms R98H.
Identifiers: ClinVar variation 2892030 (VCV002892030.3), dbSNP rs149343934, ClinGen allele CA1253639.